The following is an entry in ClinVar:

NM_018941.4(CLN8):c.844C>A (p.Arg282=)

Gene: CLN8 (CLN8 transmembrane ER and ERGIC protein; plus strand). Cytogenetic location: 8p23.3.
Variant type: single nucleotide variant.
Coding change: c.844C>A on transcript NM_018941.4 (MANE Select); coding-DNA position 844, C replaced by A.
Protein change: p.Arg282=; no amino-acid change (arginine 282 retained).
Molecular consequence: synonymous variant.
Genome position (GRCh38, 1-based): chr8:1,780,550, C>A. VCF-style: chr8-1780550-C-A. GRCh37 (hg19) VCF-style: chr8-1728716-C-A.
Other names: p.R282R:CGG>AGG.
Identifiers: ClinVar variation 136804 (VCV000136804.9), dbSNP rs587780898, ClinGen allele CA290155.
Genomic context (GRCh38, chr8:1,780,550, plus strand): 5'-GACTGGAACTTCGCACAGCCAGAAGCCAAGAGCAGGCCAGAAGGCAACGGGCAGCTGCTG[C>A]GGAAGAAGAGGCCATAGCTGCTCCAGCCGGGGCTCCGGGGCGGCAGCAGAGCTGGCACAC-3'
Protein context (NP_061764.2, residues 272-286): SRPEGNGQLL[Arg282=]KKRP

ClinVar aggregate classification (germline): Benign/Likely benign. Review status: criteria provided, multiple submitters, no conflicts (2 of 4 stars). 2 submissions from 2 submitters: Benign (1); Likely benign (1). Last evaluated 2022-08-16.

Conditions:
Neuronal ceroid lipofuscinosis. Also called: Neuronal Ceroid Lipofuscinoses. Identifiers: Orphanet 216, Orphanet 79263, MedGen C0027877, MONDO:0016295. Disease mechanism: loss of function.

Allele frequency attached by ClinVar (database versions not stated): TOPMed 0.00001.
gnomAD v4.1: 2 of 1,614,042 alleles (0.00012%); highest among the groups gnomAD compares: African/African-American, 0.0013%; no homozygotes.

Submissions (2):

Labcorp Genetics (formerly Invitae), Labcorp
Classification: Likely benign for Neuronal ceroid lipofuscinosis. Last evaluated: 2022-08-16. Review status: criteria provided, single submitter. Criteria: Invitae Variant Classification Sherloc (09022015). Collection method: clinical testing. Allele origin: germline.

GeneDx
Classification: Benign. Last evaluated: 2013-11-22. Review status: criteria provided, single submitter. Criteria: GeneDx Variant Classification (06012015). Collection method: clinical testing. Allele origin: germline. Affected: yes.
Comment: This variant is considered likely benign or benign based on one or more of the following criteria: it is a conservative change, it occurs at a poorly conserved position in the protein, it is predicted to be benign by multiple in silico algorithms, and/or has population frequency not consistent with disease.